The following is an entry in ClinVar:

ClinVar aggregate classification (germline): Uncertain significance. Review status: criteria provided, multiple submitters, no conflicts (2 of 4 stars). 4 submissions from 4 submitters: Uncertain significance (4). Last evaluated 2026-05-27.

Conditions:
ARSG-related disorder. Also called: ARSG-related condition.

Allele frequency attached by ClinVar (database versions not stated): TOPMed 0.00005; gnomAD 0.00006 and 0.00009; gnomAD exomes 0.00007 and 0.00019; ESP Exome Variant Server 0.00008; ExAC 0.00012; 1000 Genomes Project 0.00040; 1000 Genomes Project 30x 0.00047.
gnomAD v4.1: 121 of 1,613,916 alleles (0.0075%); highest among the groups gnomAD compares: Admixed American, 0.033%; no homozygotes.

Submissions (4):

PreventionGenetics, part of Exact Sciences
Classification: Uncertain significance for ARSG-related condition. Last evaluated: 2026-05-27. Review status: criteria provided, single submitter. Criteria: ACMG Guidelines, 2015. Collection method: clinical testing. Allele origin: germline.
Comment: The ARSG c.1093G>A variant is predicted to result in the amino acid substitution p.Val365Met. To our knowledge, this variant has not been reported in the literature. This variant is reported in 0.059% of alleles in individuals of Latino descent in gnomAD. Although we suspect that this variant may be benign, at this time, the clinical significance of this variant is uncertain due to the absence of conclusive functional and genetic evidence.

Labcorp Genetics (formerly Invitae), Labcorp
Classification: Uncertain significance. Last evaluated: 2024-12-02. Review status: criteria provided, single submitter. Criteria: Invitae Variant Classification Sherloc (09022015). Collection method: clinical testing. Allele origin: germline.
Comment: This sequence change replaces valine, which is neutral and non-polar, with methionine, which is neutral and non-polar, at codon 365 of the ARSG protein (p.Val365Met). This variant is present in population databases (rs185381597, gnomAD 0.06%). This variant has not been reported in the literature in individuals affected with ARSG-related conditions. ClinVar contains an entry for this variant (Variation ID: 1506726). An algorithm developed to predict the effect of missense changes on protein structure and function outputs the following: PolyPhen-2: "Benign". The methionine amino acid residue is found in multiple mammalian species, which suggests that this missense change does not adversely affect protein function. In summary, the available evidence is currently insufficient to determine the role of this variant in disease. Therefore, it has been classified as a Variant of Uncertain Significance.

Blueprint Genetics
Classification: Uncertain significance. Last evaluated: 2024-09-16. Review status: criteria provided, single submitter. Criteria: ACMG Guidelines, 2015. Collection method: clinical testing. Allele origin: germline.

Ambry Genetics
Classification: Uncertain significance. Last evaluated: 2023-05-28. Review status: criteria provided, single submitter. Criteria: Ambry Variant Classification Scheme 2023. Collection method: clinical testing. Allele origin: germline.

NM_001267727.2(ARSG):c.1093G>A (p.Val365Met)

Gene: ARSG (arylsulfatase G; plus strand). Cytogenetic location: 17q24.2.
Variant type: single nucleotide variant.
Coding change: c.1093G>A on transcript NM_001267727.2 (MANE Select); coding-DNA position 1093, G replaced by A.
Protein change: p.Val365Met; replaces valine 365 with methionine.
Molecular consequence: missense variant.
Genome position (GRCh38, 1-based): chr17:68,395,074, G>A. VCF-style: chr17-68395074-G-A. GRCh37 (hg19) VCF-style: chr17-66391215-G-A.
Other names: c.1093G>A, p.Val365Met (NM_001352899.2, NM_001352900.2, NM_001352901.2 and 3 more transcripts); c.1090G>A, p.Val364Met (NM_001352903.2, NM_001352904.2, NM_001352905.2 and 2 more transcripts); c.1045G>A, p.Val349Met (NM_001352909.2); c.1093G>A (NM_014960.3, NM_014960.4); short protein forms V349M, V364M, V365M.
Identifiers: ClinVar variation 1506726 (VCV001506726.7), dbSNP rs185381597, ClinGen allele CA8728486.